The following is an entry in ClinVar:

ClinVar aggregate classification (germline): Likely benign (1 of 4 stars; one submission).

Submission:

CeGaT Center for Human Genetics Tuebingen
Classification: Likely benign. Last evaluated: 2022-12-01. Review status: criteria provided, single submitter. Criteria: CeGaT Center For Human Genetics Tuebingen Variant Classification Criteria Version 2. Collection method: clinical testing. Allele origin: germline. Affected: yes. Observed: 1 variant allele.
Comment: ITK: PM2:Supporting, BP4, BP7

NM_005546.4(ITK):c.171C>G (p.Leu57=)

Gene: ITK (IL2 inducible T cell kinase; plus strand). Cytogenetic location: 5q33.3.
Variant type: single nucleotide variant.
Coding change: c.171C>G on transcript NM_005546.4 (MANE Select); coding-DNA position 171, C replaced by G.
Protein change: p.Leu57=; no amino-acid change (leucine 57 retained).
Molecular consequence: synonymous variant.
Genome position (GRCh38, 1-based): chr5:157,208,921, C>G. VCF-style: chr5-157208921-C-G. GRCh37 (hg19) VCF-style: chr5-156635932-C-G.
Identifiers: ClinVar variation 2655991 (VCV002655991.24), dbSNP rs1261260872, ClinGen allele CA447427451.